The following is an entry in ClinVar:

NM_000419.5(ITGA2B):c.1880C>A (p.Thr627Lys)

Gene: ITGA2B (integrin subunit alpha 2b; minus strand). Cytogenetic location: 17q21.31.
Variant type: single nucleotide variant.
Coding change: c.1880C>A on transcript NM_000419.5 (MANE Select); coding-DNA position 1880, C replaced by A.
Protein change: p.Thr627Lys; replaces threonine 627 with lysine.
Molecular consequence: missense variant.
Genome position (GRCh38, 1-based): chr17:44,378,709, G>T on the plus strand (C>A on the coding strand, the complement: ITGA2B is on the minus strand). VCF-style: chr17-44378709-G-T. GRCh37 (hg19) VCF-style: chr17-42456077-G-T.
Other names: short protein forms T627K.
Identifiers: ClinVar variation 3778505 (VCV003778505.7).

ClinVar aggregate classification (germline): Uncertain significance (1 of 4 stars; one submission).

Submission:

CeGaT Center for Human Genetics Tuebingen
Classification: Uncertain significance. Last evaluated: 2025-03-01. Review status: criteria provided, single submitter. Criteria: CeGaT Center For Human Genetics Tuebingen Variant Classification Criteria Version 2. Collection method: clinical testing. Allele origin: germline. Affected: yes. Observed: 1 variant allele.
Comment: ITGA2B: PM2